The following is an entry in ClinVar:

ClinVar aggregate classification (germline): Uncertain significance (1 of 4 stars; one submission).

Conditions:
Short-rib thoracic dysplasia 14 with polydactyly (SRTD14). Identifiers: Orphanet 397715, MedGen C4225286, MONDO:0014688, OMIM 616546.
Joubert syndrome 23 (JBTS23). Identifiers: Orphanet 475, MedGen C4084822, MONDO:0014664, OMIM 616490.

gnomAD v4.1: 3 of 1,606,966 alleles (0.00019%); highest among the groups gnomAD compares: Non-Finnish European, 0.00026%; no homozygotes.

Submission:

Labcorp Genetics (formerly Invitae), Labcorp
Classification: Uncertain significance for Joubert syndrome 23; Short-rib thoracic dysplasia 14 with polydactyly. Last evaluated: 2024-07-17. Review status: criteria provided, single submitter. Criteria: Invitae Variant Classification Sherloc (09022015). Collection method: clinical testing. Allele origin: germline.
Comment: This sequence change replaces glutamine, which is neutral and polar, with lysine, which is basic and polar, at codon 317 of the KIAA0586 protein (p.Gln317Lys). This variant is not present in population databases (gnomAD no frequency). This variant has not been reported in the literature in individuals affected with KIAA0586-related conditions. Advanced modeling of protein sequence and biophysical properties (such as structural, functional, and spatial information, amino acid conservation, physicochemical variation, residue mobility, and thermodynamic stability) performed at Invitae indicates that this missense variant is expected to disrupt KIAA0586 protein function with a positive predictive value of 80%. In summary, the available evidence is currently insufficient to determine the role of this variant in disease. Therefore, it has been classified as a Variant of Uncertain Significance.

NM_001329943.3(KIAA0586):c.790C>A (p.Gln264Lys)

Gene: KIAA0586 (KIAA0586; plus strand). Cytogenetic location: 14q23.1.
Variant type: single nucleotide variant.
Coding change: c.790C>A on transcript NM_001329943.3 (MANE Select); coding-DNA position 790, C replaced by A.
Protein change: p.Gln264Lys; replaces glutamine 264 with lysine.
Molecular consequence: missense variant.
Genome position (GRCh38, 1-based): chr14:58,444,158, C>A. VCF-style: chr14-58444158-C-A. GRCh37 (hg19) VCF-style: chr14-58910876-C-A.
Other names: c.535C>A, p.Gln179Lys (NM_001364701.2, NM_001244191.2, NM_001329945.2 and 1 more transcripts); c.949C>A, p.Gln317Lys (NM_001244189.2); c.745C>A, p.Gln249Lys (NM_001244190.2); c.790C>A, p.Gln264Lys (NM_014749.5, NM_001329944.2, NM_001329946.2 and 1 more transcripts); c.658C>A, p.Gln220Lys (NM_001244192.2); c.370C>A, p.Gln124Lys (NM_001244193.2); short protein forms Q124K, Q179K, Q220K, Q249K, Q264K, Q317K.
Identifiers: ClinVar variation 3763231 (VCV003763231.2).
Genomic context (GRCh38, chr14:58,444,158, plus strand): 5'-GAAAAGCAAATGAATGTGTTTATGGAGCAGCACATAAGGCATCTTGAAAAGTTACAACAA[C>A]AACAAATAGATATTCAGGTATCTGTAATAAATCCAGTACAGATTCCATAATCTTTTATCA-3'
Protein context (NP_001316872.1, residues 254-274): HIRHLEKLQQ[Gln264Lys]QIDIQTHFIS